The following is an entry in ClinVar:

ClinVar aggregate classification (germline): Uncertain significance. Review status: criteria provided, multiple submitters, no conflicts (2 of 4 stars). 3 submissions from 3 submitters: Uncertain significance (3). Last evaluated 2025-12-15.

Conditions:
Hereditary nonpolyposis colorectal neoplasms. Identifiers: MedGen C0009405, MeSH D003123.
Hereditary cancer-predisposing syndrome. Also called: Neoplastic Syndromes, Hereditary; Hereditary neoplastic syndrome; Tumor predisposition; Hereditary Cancer Syndrome. Identifiers: Orphanet 140162, MedGen C0027672, MeSH D009386, MONDO:0015356.

Allele frequency attached by ClinVar (database versions not stated): TOPMed below 0.00001.

Submissions (3):

Ambry Genetics
Classification: Uncertain significance for Hereditary cancer-predisposing syndrome. Last evaluated: 2025-12-15. Review status: criteria provided, single submitter. Criteria: Ambry Variant Classification Scheme 2023. Collection method: clinical testing. Allele origin: germline.
Comment: The p.Q781K variant (also known as c.2341C>A), located in coding exon 14 of the PMS2 gene, results from a C to A substitution at nucleotide position 2341. The glutamine at codon 781 is replaced by lysine, an amino acid with similar properties. This amino acid position is not well conserved in available vertebrate species. In addition, this alteration is predicted to be tolerated by in silico analysis. Since supporting evidence is limited at this time, the clinical significance of this alteration remains unclear.

Labcorp Genetics (formerly Invitae), Labcorp
Classification: Uncertain significance for Hereditary nonpolyposis colorectal neoplasms. Last evaluated: 2025-06-09. Review status: criteria provided, single submitter. Criteria: Invitae Variant Classification Sherloc (09022015). Collection method: clinical testing. Allele origin: germline.
Comment: This sequence change replaces glutamine, which is neutral and polar, with lysine, which is basic and polar, at codon 781 of the PMS2 protein (p.Gln781Lys). The frequency data for this variant in the population databases (gnomAD) is considered unreliable due to the presence of homologous sequence, such as pseudogenes or paralogs, in the genome. This variant has not been reported in the literature in individuals affected with PMS2-related conditions. ClinVar contains an entry for this variant (Variation ID: 127779). Invitae Evidence Modeling incorporating data from in vitro experimental studies (internal data) indicates that this missense variant is not expected to disrupt PMS2 function with a negative predictive value of 95%. In summary, the available evidence is currently insufficient to determine the role of this variant in disease. Therefore, it has been classified as a Variant of Uncertain Significance.

GeneDx
Classification: Uncertain significance. Last evaluated: 2017-05-05. Review status: criteria provided, single submitter. Criteria: GeneDx Variant Classification (06012015). Collection method: clinical testing. Allele origin: germline. Affected: yes.
Comment: This variant is denoted PMS2 c.2341C>A at the cDNA level, p.Gln781Lys (Q781K) at the protein level, and results in the change of a Glutamine to a Lysine (CAG>AAG). This variant has not, to our knowledge, been published in the literature as pathogenic or benign. PMS2 Gln781Lys was not observed in approximately 6,500 individuals of European and African American ancestry in the NHLBI Exome Sequencing Project, indicating it is not a common benign variant in these populations. Since Glutamine and Lysine differ in some properties, this is considered a semi-conservative amino acid substitution and may affect protein integrity. PMS2 Gln781Lys occurs at a position that is conserved across species and is not located in a known functional domain. In silico analyses are inconsistent regarding the effect this variant may have on protein structure and function. Based on currently available information, it is unclear whether PMS2 Gln781Lys is pathogenic or benign. We consider it to be a variant of uncertain significance.

NM_000535.7(PMS2):c.2341C>A (p.Gln781Lys)

Gene: PMS2 (PMS1 homolog 2, mismatch repair system component; minus strand). Cytogenetic location: 7p22.1.
Variant type: single nucleotide variant.
Coding change: c.2341C>A on transcript NM_000535.7 (MANE Select); coding-DNA position 2341, C replaced by A.
Protein change: p.Gln781Lys; replaces glutamine 781 with lysine.
Molecular consequence: missense variant. On other transcripts: non-coding transcript variant (1).
Genome position (GRCh38, 1-based): chr7:5,977,692, G>T on the plus strand (C>A on the coding strand, the complement: PMS2 is on the minus strand). VCF-style: chr7-5977692-G-T. GRCh37 (hg19) VCF-style: chr7-6017323-G-T.
Other names: c.1936C>A, p.Gln646Lys (NM_001322003.2, NM_001322004.2, NM_001322005.2); c.2185C>A, p.Gln729Lys (NM_001322006.2); c.2023C>A, p.Gln675Lys (NM_001322007.2, NM_001322008.2); c.1969C>A, p.Gln657Lys (NM_001322009.2); c.1780C>A, p.Gln594Lys (NM_001322010.2); c.1408C>A, p.Gln470Lys (NM_001322011.2, NM_001322012.2); c.1768C>A, p.Gln590Lys (NM_001322013.2); c.2374C>A, p.Gln792Lys (NM_001322014.2); and 1 more; short protein forms Q781K, Q657K, Q470K, Q646K, Q678K, Q729K, Q594K, Q675K.
Identifiers: ClinVar variation 127779 (VCV000127779.15), dbSNP rs587780054, ClinGen allele CA011297.